The following is an entry in ClinVar:

ClinVar aggregate classification (germline): Conflicting classifications of pathogenicity. Review status: criteria provided, conflicting classifications (1 of 4 stars). 3 submissions from 3 submitters: Uncertain significance (2); Likely benign (1). Last evaluated 2025-12-31.

Conditions:
AP3D1-related disorder. Also called: AP3D1-related condition.

Submissions (3):

Labcorp Genetics (formerly Invitae), Labcorp
Classification: Uncertain significance. Last evaluated: 2025-12-31. Review status: criteria provided, single submitter. Criteria: Invitae Variant Classification Sherloc (09022015). Collection method: clinical testing. Allele origin: germline.
Comment: This variant, c.2657_2668del, results in the deletion of 4 amino acid(s) of the AP3D1 protein (p.Ala886_Pro889del), but otherwise preserves the integrity of the reading frame. The frequency data for this variant in the population databases is considered unreliable, as metrics indicate poor data quality at this position in the gnomAD database. This variant has not been reported in the literature in individuals affected with AP3D1-related conditions. Experimental studies and prediction algorithms are not available or were not evaluated, and the functional significance of this variant is currently unknown. In summary, the available evidence is currently insufficient to determine the role of this variant in disease. Therefore, it has been classified as a Variant of Uncertain Significance.

PreventionGenetics, part of Exact Sciences
Classification: Likely benign for AP3D1-related condition. Last evaluated: 2025-12-08. Review status: criteria provided, single submitter. Criteria: ACMG Guidelines, 2015. Collection method: clinical testing. Allele origin: germline.
Comment: This variant is classified as likely benign based on ACMG/AMP sequence variant interpretation guidelines (Richards et al. 2015 PMID: 25741868, with internal and published modifications).

CeGaT Center for Human Genetics Tuebingen
Classification: Uncertain significance. Last evaluated: 2018-05-01. Review status: criteria provided, single submitter. Criteria: CeGaT Center For Human Genetics Tuebingen Variant Classification Criteria Version 2. Collection method: clinical testing. Allele origin: germline. Affected: yes. Observed: 2 variant alleles.

NM_001261826.3(AP3D1):c.2645CCCCCG[2] (p.882AP[2])

Gene: AP3D1 (adaptor related protein complex 3 subunit delta 1; minus strand). Cytogenetic location: 19p13.3.
Variant type: Microsatellite.
Coding change: c.2645CCCCCG[2] on transcript NM_001261826.3 (MANE Select); two copies in a row of the 6-base unit CCCCCG starting at c.2645; the reference has four copies in a row; two copies, 12 bases deleted.
Protein change: p.882AP[2].
Molecular consequence: inframe deletion. On other transcripts: intron variant (1).
Genome position (GRCh38, 1-based): chr19:2,113,347-2,113,358, CGGGGGCGGGGG deleted on the plus strand (CCCCCGCCCCCG on the coding strand, the reverse complement: AP3D1 is on the minus strand); deleting any 12 consecutive bases within chr19:2,113,347-2,113,371 gives the same sequence; the position shown is the placement nearest the transcript's 3' end. VCF-style (leftmost placement, unchanged base first): chr19-2113346-ACGGGGGCGGGGG-A. GRCh37 (hg19) VCF-style: chr19-2113345-ACGGGGGCGGGGG-A.
Other names: c.2657_2668del12 (NM_001261826.1); c.2645CCCCCG[2], p.882AP[2] (NM_001374799.1); c.2601+755CCCCCG[2] (NM_003938.8).
Identifiers: ClinVar variation 623918 (VCV000623918.49), dbSNP rs750853882, ClinGen allele CA9058778.